The following is an entry in ClinVar:

NM_024312.5(GNPTAB):c.1648C>G (p.Pro550Ala)

Gene: GNPTAB (N-acetylglucosamine-1-phosphate transferase subunits alpha and beta; minus strand). Cytogenetic location: 12q23.2.
Variant type: single nucleotide variant.
Coding change: c.1648C>G on transcript NM_024312.5 (MANE Select); coding-DNA position 1648, C replaced by G.
Protein change: p.Pro550Ala; replaces proline 550 with alanine.
Molecular consequence: missense variant.
Genome position (GRCh38, 1-based): chr12:101,765,269, G>C on the plus strand (C>G on the coding strand, the complement: GNPTAB is on the minus strand). VCF-style: chr12-101765269-G-C. GRCh37 (hg19) VCF-style: chr12-102159047-G-C.
Other names: short protein forms P550A.
Identifiers: ClinVar variation 2931013 (VCV002931013.2), dbSNP rs1482654475, ClinGen allele CA386300117.

ClinVar aggregate classification (germline): Uncertain significance (1 of 4 stars; one submission).

Conditions:
Mucolipidosis type II. Also called: ML II ALPHA/BETA; Mucolipidosis 2; ML 2; Inclusion cell disease; Leroy Disease; N-acetylglucosamine 1phosphotransferase deficiency. Identifiers: Orphanet 576, MedGen C2673377, MONDO:0009650, OMIM 252500.
Pseudo-Hurler polydystrophy. Also called: ML III; ML III ALPHA/BETA; Type III Mucolipidosis; ML IIIA; Mucolipidosis III Alpha/Beta; MUCOLIPIDOSIS IIIA. Identifiers: Orphanet 423461, Orphanet 577, MedGen C0033788, MONDO:0018931, OMIM 252600.

Allele frequency attached by ClinVar (database versions not stated): gnomAD exomes below 0.00001.
gnomAD v4.1: 4 of 1,613,270 alleles (0.00025%); highest among the groups gnomAD compares: Non-Finnish European, 0.00034%; no homozygotes.

Submission:

Labcorp Genetics (formerly Invitae), Labcorp
Classification: Uncertain significance for Pseudo-Hurler polydystrophy; Mucolipidosis type II. Last evaluated: 2023-06-28. Review status: criteria provided, single submitter. Criteria: Invitae Variant Classification Sherloc (09022015). Collection method: clinical testing. Allele origin: germline.
Comment: In summary, the available evidence is currently insufficient to determine the role of this variant in disease. Therefore, it has been classified as a Variant of Uncertain Significance. Advanced modeling of protein sequence and biophysical properties (such as structural, functional, and spatial information, amino acid conservation, physicochemical variation, residue mobility, and thermodynamic stability) performed at Invitae indicates that this missense variant is not expected to disrupt GNPTAB protein function. This variant has not been reported in the literature in individuals affected with GNPTAB-related conditions. This variant is not present in population databases (gnomAD no frequency). This sequence change replaces proline, which is neutral and non-polar, with alanine, which is neutral and non-polar, at codon 550 of the GNPTAB protein (p.Pro550Ala).